The following is an entry in ClinVar:

NM_002661.5(PLCG2):c.1048C>T (p.Arg350Cys)

Gene: PLCG2 (phospholipase C gamma 2; plus strand). Cytogenetic location: 16q23.3.
Variant type: single nucleotide variant.
Coding change: c.1048C>T on transcript NM_002661.5 (MANE Select); coding-DNA position 1048, C replaced by T.
Protein change: p.Arg350Cys; replaces arginine 350 with cysteine.
Molecular consequence: missense variant.
Genome position (GRCh38, 1-based): chr16:81,893,770, C>T. VCF-style: chr16-81893770-C-T. GRCh37 (hg19) VCF-style: chr16-81927375-C-T.
Other names: short protein forms R350C.
Identifiers: ClinVar variation 1492336 (VCV001492336.6), dbSNP rs1272100050, ClinGen allele CA396898721.

ClinVar aggregate classification (germline): Uncertain significance (1 of 4 stars; one submission).

Conditions:
Familial cold autoinflammatory syndrome 3 (FCAS3). Also called: FAMILIAL ATYPICAL COLD URTICARIA; ANTIBODY DEFICIENCY AND IMMUNE DYSREGULATION, PLCG2-ASSOCIATED. Identifiers: Orphanet 300359, MedGen C3280914, MONDO:0013766, OMIM 614468.

Allele frequency attached by ClinVar (database versions not stated): gnomAD exomes below 0.00001.
gnomAD v4.1: 2 of 1,611,730 alleles (0.00012%); highest among the groups gnomAD compares: East Asian, 0.0022%; no homozygotes.

Submission:

Labcorp Genetics (formerly Invitae), Labcorp
Classification: Uncertain significance for Familial cold autoinflammatory syndrome 3. Last evaluated: 2021-09-11. Review status: criteria provided, single submitter. Criteria: Invitae Variant Classification Sherloc (09022015). Collection method: clinical testing. Allele origin: germline.
Comment: This sequence change replaces arginine with cysteine at codon 350 of the PLCG2 protein (p.Arg350Cys). The arginine residue is highly conserved and there is a large physicochemical difference between arginine and cysteine. This variant is not present in population databases (ExAC no frequency). This variant has not been reported in the literature in individuals affected with PLCG2-related conditions. Algorithms developed to predict the effect of missense changes on protein structure and function (SIFT, PolyPhen-2, Align-GVGD) all suggest that this variant is likely to be tolerated. In summary, the available evidence is currently insufficient to determine the role of this variant in disease. Therefore, it has been classified as a Variant of Uncertain Significance.